The following is an entry in ClinVar:

ClinVar aggregate classification (germline): Uncertain significance (1 of 4 stars; one submission).

Conditions:
Nemaline myopathy 2 (NEM2). Also called: Nemaline myopathy 2, autosomal recessive. Identifiers: MedGen C1850569, MONDO:0009725, OMIM 256030.

Allele frequency attached by ClinVar (database versions not stated): TOPMed below 0.00001; gnomAD 0.00001.
gnomAD v4.1: 15 of 1,606,806 alleles (0.00093%); highest among the groups gnomAD compares: Non-Finnish European, 0.0013%; no homozygotes.

Submission:

Labcorp Genetics (formerly Invitae), Labcorp
Classification: Uncertain significance for Nemaline myopathy 2. Last evaluated: 2024-02-29. Review status: criteria provided, single submitter. Criteria: Invitae Variant Classification Sherloc (09022015). Collection method: clinical testing. Allele origin: germline.
Comment: This sequence change replaces tyrosine, which is neutral and polar, with asparagine, which is neutral and polar, at codon 2308 of the NEB protein (p.Tyr2308Asn). This variant is not present in population databases (gnomAD no frequency). This variant has not been reported in the literature in individuals affected with NEB-related conditions. Experimental studies and prediction algorithms are not available or were not evaluated, and the functional significance of this variant is currently unknown. In summary, the available evidence is currently insufficient to determine the role of this variant in disease. Therefore, it has been classified as a Variant of Uncertain Significance.

NM_001164508.2(NEB):c.6922T>A (p.Tyr2308Asn)

Gene: NEB (nebulin; minus strand). Cytogenetic location: 2q23.3.
Variant type: single nucleotide variant.
Coding change: c.6922T>A on transcript NM_001164508.2 (MANE Select); coding-DNA position 6922, T replaced by A.
Protein change: p.Tyr2308Asn; replaces tyrosine 2308 with asparagine.
Molecular consequence: missense variant.
Genome position (GRCh38, 1-based): chr2:151,650,879, A>T on the plus strand (T>A on the coding strand, the complement: NEB is on the minus strand). VCF-style: chr2-151650879-A-T. GRCh37 (hg19) VCF-style: chr2-152507393-A-T.
Other names: c.6922T>A, p.Tyr2308Asn (NM_001164507.2, NM_001271208.2, NM_004543.5); short protein forms Y2308N.
Identifiers: ClinVar variation 2993132 (VCV002993132.3), dbSNP rs2099021638, ClinGen allele CA348791577.